The following is an entry in ClinVar:

NM_013352.4(DSE):c.34T>A (p.Phe12Ile)

Gene: DSE (dermatan sulfate epimerase; plus strand). Cytogenetic location: 6q22.1.
Variant type: single nucleotide variant.
Coding change: c.34T>A on transcript NM_013352.4 (MANE Select); coding-DNA position 34, T replaced by A.
Protein change: p.Phe12Ile; replaces phenylalanine 12 with isoleucine.
Molecular consequence: missense variant. On other transcripts: 5 prime UTR variant (4), non-coding transcript variant (1).
Genome position (GRCh38, 1-based): chr6:116,399,284, T>A. VCF-style: chr6-116399284-T-A. GRCh37 (hg19) VCF-style: chr6-116720447-T-A.
Other names: c.34T>A, p.Phe12Ile (NM_001080976.3, NM_001322937.2, NM_001322938.2 and 3 more transcripts); c.91T>A, p.Phe31Ile (NM_001322939.2); c.-524T>A (NM_001322940.2, NM_001322941.2); c.-867T>A (NM_001374520.1); c.-554T>A (NM_001374521.1); short protein forms F31I, F12I.
Identifiers: ClinVar variation 2192451 (VCV002192451.4), dbSNP rs1781445178, ClinGen allele CA365533914.

ClinVar aggregate classification (germline): Uncertain significance (1 of 4 stars; one submission).

Conditions:
Ehlers-Danlos syndrome, musculocontractural type 2 (EDSMC2). Identifiers: Orphanet 2953, MedGen C3809845, MONDO:0014236, OMIM 615539.

Allele frequency attached by ClinVar (database versions not stated): gnomAD 0.00001.
gnomAD v4.1: 1 of 1,613,760 alleles (0.000062%); highest among the groups gnomAD compares: African/African-American, 0.0013%; no homozygotes.

Submission:

Labcorp Genetics (formerly Invitae), Labcorp
Classification: Uncertain significance for Ehlers-Danlos syndrome, musculocontractural type 2. Last evaluated: 2022-04-13. Review status: criteria provided, single submitter. Criteria: Invitae Variant Classification Sherloc (09022015). Collection method: clinical testing. Allele origin: germline.
Comment: In summary, the available evidence is currently insufficient to determine the role of this variant in disease. Therefore, it has been classified as a Variant of Uncertain Significance. Algorithms developed to predict the effect of missense changes on protein structure and function are either unavailable or do not agree on the potential impact of this missense change (SIFT: "Not Available"; PolyPhen-2: "Probably Damaging"; Align-GVGD: "Not Available"). This sequence change replaces phenylalanine, which is neutral and non-polar, with isoleucine, which is neutral and non-polar, at codon 12 of the DSE protein (p.Phe12Ile). This variant is not present in population databases (gnomAD no frequency). This variant has not been reported in the literature in individuals affected with DSE-related conditions.